The following is an entry in ClinVar:

ClinVar aggregate classification (germline): Uncertain significance (1 of 4 stars; one submission).

Submission:

Labcorp Genetics (formerly Invitae), Labcorp
Classification: Uncertain significance. Last evaluated: 2025-11-18. Review status: criteria provided, single submitter. Criteria: Invitae Variant Classification Sherloc (09022015). Collection method: clinical testing. Allele origin: germline.
Comment: This sequence change replaces threonine, which is neutral and polar, with alanine, which is neutral and non-polar, at codon 371 of the CDH2 protein (p.Thr371Ala). This variant is not present in population databases (gnomAD no frequency). This variant has not been reported in the literature in individuals affected with CDH2-related conditions. An algorithm developed to predict the effect of missense changes on protein structure and function (PolyPhen-2) suggests that this variant is likely to be tolerated. In summary, the available evidence is currently insufficient to determine the role of this variant in disease. Therefore, it has been classified as a Variant of Uncertain Significance.

NM_001792.5(CDH2):c.1111A>G (p.Thr371Ala)

Gene: CDH2 (cadherin 2; minus strand). Cytogenetic location: 18q12.1.
Variant type: single nucleotide variant.
Coding change: c.1111A>G on transcript NM_001792.5 (MANE Select); coding-DNA position 1111, A replaced by G.
Protein change: p.Thr371Ala; replaces threonine 371 with alanine.
Molecular consequence: missense variant.
Genome position (GRCh38, 1-based): chr18:27,993,547, T>C on the plus strand (A>G on the coding strand, the complement: CDH2 is on the minus strand). VCF-style: chr18-27993547-T-C. GRCh37 (hg19) VCF-style: chr18-25573511-T-C.
Other names: c.1018A>G, p.Thr340Ala (NM_001308176.2); short protein forms T371A, T340A.
Identifiers: ClinVar variation 4731429 (VCV004731429.1).